The following is an entry in ClinVar:

NM_001199397.3(NEK1):c.426A>G (p.Val142=)

Gene: NEK1 (NIMA related kinase 1; minus strand). Cytogenetic location: 4q33.
Variant type: single nucleotide variant.
Coding change: c.426A>G on transcript NM_001199397.3 (MANE Select); coding-DNA position 426, A replaced by G.
Protein change: p.Val142=; no amino-acid change (valine 142 retained).
Molecular consequence: synonymous variant. On other transcripts: non-coding transcript variant (2).
Genome position (GRCh38, 1-based): chr4:169,589,485, T>C on the plus strand (A>G on the coding strand, the complement: NEK1 is on the minus strand). VCF-style: chr4-169589485-T-C. GRCh37 (hg19) VCF-style: chr4-170510636-T-C.
Other names: c.426A>G, p.Val142= (NM_001199398.3, NM_001199399.3, NM_001199400.3 and 7 more transcripts).
Identifiers: ClinVar variation 618244 (VCV000618244.17), dbSNP rs200769726, ClinGen allele CA109921195.

ClinVar aggregate classification (germline): Conflicting classifications of pathogenicity. Review status: criteria provided, conflicting classifications (1 of 4 stars). 4 submissions from 4 submitters: Uncertain significance (1); Likely benign (2). 1 of the submissions does not count toward it. Last evaluated 2025-12-31.

Conditions:
NEK1-related disorder. Also called: NEK1-related condition.
Short-rib thoracic dysplasia 6 with or without polydactyly (SRTD6). Also called: SHORT-RIB THORACIC DYSPLASIA 6 WITH POLYDACTYLY; SHORT-RIB THORACIC DYSPLASIA 6 WITHOUT POLYDACTYLY; POLYDACTYLY WITH NEONATAL CHONDRODYSTROPHY, TYPE II; SHORT RIB-POLYDACTYLY SYNDROME, TYPE IIA; Majewski Syndrome. Identifiers: MedGen C0024507, MONDO:0009894, OMIM 263520.
Connective tissue disorder. Also called: Connective tissue disease. Identifiers: MedGen C0009782, MONDO:0003900.

Allele frequency attached by ClinVar (database versions not stated): gnomAD 0.00003; gnomAD exomes 0.00003; TOPMed 0.00008.
gnomAD v4.1: 52 of 1,515,142 alleles (0.0034%); highest among the groups gnomAD compares: Non-Finnish European, 0.0037%; no homozygotes.

Submissions (4):

Labcorp Genetics (formerly Invitae), Labcorp
Classification: Likely benign for Short-rib thoracic dysplasia 6 with or without polydactyly. Last evaluated: 2025-12-31. Review status: criteria provided, single submitter. Criteria: Invitae Variant Classification Sherloc (09022015). Collection method: clinical testing. Allele origin: germline.

Genome Diagnostics Laboratory, The Hospital for Sick Children
Classification: Uncertain significance for Connective tissue disorder. Last evaluated: 2020-03-01. Review status: criteria provided, single submitter. Criteria: ACMG Guidelines, 2015. Collection method: clinical testing. Allele origin: germline.

ARUP Laboratories, Molecular Genetics and Genomics, ARUP Laboratories
Classification: Likely benign. Last evaluated: 2017-10-23. Review status: criteria provided, single submitter. Criteria: ARUP Molecular Germline Variant Investigation Process. Collection method: clinical testing. Allele origin: germline.

PreventionGenetics, part of Exact Sciences
Classification: Likely benign for NEK1-related condition. Last evaluated: 2024-02-20. Review status: no assertion criteria provided. Collection method: clinical testing. Allele origin: germline. Not counted in ClinVar's aggregate classification.
Comment: This variant is classified as likely benign based on ACMG/AMP sequence variant interpretation guidelines (Richards et al. 2015 PMID: 25741868, with internal and published modifications).